The following continues an entry in ClinVar:

NM_001042492.3(NF1):c.2446C>T (p.Arg816Ter)

Gene: NF1. ClinVar aggregate classification (germline): Pathogenic. Pathogenic (24). ClinVar aggregate classification (oncogenicity): Oncogenic.

Submissions 13 to 28 of 28:

Institute of Human Genetics, University of Leipzig Medical Center
Classification: Pathogenic for Neurofibromatosis, type 1. Last evaluated: 2023-05-02. Review status: criteria provided, single submitter. Criteria: ACMG Guidelines, 2015. Collection method: clinical testing. Allele origin: unknown. Inheritance: Autosomal dominant inheritance. Affected: yes.
Comment: Criteria applied: PVS1,PS3_MOD,PS4_MOD,PM2_SUP

Baylor Genetics
Classification: Pathogenic for Juvenile myelomonocytic leukemia. Last evaluated: 2023-02-21. Review status: criteria provided, single submitter. Criteria: ACMG Guidelines, 2015. Collection method: clinical testing. Allele origin: unknown.

Genome-Nilou Lab
Classification: Pathogenic for Neurofibromatosis, type 1. Last evaluated: 2022-03-15. Review status: criteria provided, single submitter. Criteria: ACMG Guidelines, 2015. Collection method: clinical testing. Allele origin: germline. Affected: no.

Ambry Genetics
Classification: Pathogenic for Cardiovascular phenotype; Hereditary cancer-predisposing syndrome. Last evaluated: 2022-01-27. Review status: criteria provided, single submitter. Criteria: Ambry General Variant Classification Scheme_2022. Collection method: clinical testing. Allele origin: germline. Observed: 1 variant allele.
Comment: The p.R816* variant (also known as c.2446C>T), located in coding exon 21 of the NF1 gene, results from a C to T substitution at nucleotide position 2446. This changes the amino acid from an arginine to a stop codon within coding exon 21. This mutation has been reported multiple times in individuals with clinical features of neurofibromatosis type 1 (Maynard et al. Hum. Genet. 1997; 99:674-76; Bahuau et al. Am J Med Genet. 1998;75(3):265-72; Fahsold et al. Am. J. Hum. Genet. 2000; 66(3):790-818; Jeong et al. J. Korean Med. Sci. 2006;21(1):107-12; Bottillo et al. J. Pathol. 2009; 217(5):693-701; Stenman et al. Endocr. Pathol. 2015; 26(1):9-14; Kang E et al. J Hum Genet, 2020 Jan;65:79-89; N Abdel-Aziz N et al. Mol Genet Genomic Med, 2021 12;9:e1631). This mutation also segregated with disease in ten individuals from one family with neurofibromatosis (Bahuau et al. Am J Med Genet. 1998. 23;75(3):265-72). This variant is considered to be rare based on population cohorts in the Genome Aggregation Database (gnomAD). In addition to the clinical data presented in the literature, this alteration is expected to result in loss of function by premature protein truncation or nonsense-mediated mRNA decay. As such, this alteration is interpreted as a disease-causing mutation.

Greenwood Genetic Center Diagnostic Laboratories, Greenwood Genetic Center
Classification: Pathogenic for Neurofibromatosis, type 1. Last evaluated: 2021-04-05. Review status: criteria provided, single submitter. Criteria: ACMG Guidelines, 2015. Collection method: clinical testing. Allele origin: germline. Affected: yes.
Comment: PVS1, PS4, PM2

GeneDx
Classification: Pathogenic. Last evaluated: 2020-12-16. Review status: criteria provided, single submitter. Criteria: GeneDx Variant Classification Process June 2021. Collection method: clinical testing. Allele origin: germline. Affected: yes.
Comment: Nonsense variant predicted to result in protein truncation or nonsense mediated decay in a gene for which loss-of-function is a known mechanism of disease; Observed in multiple patients with Neurofibromatosis type 1 referred for genetic testing at GeneDx and in published literature, including both apparent and confirmed de novo observations (Maynard 1997, Fahsold 2000, Jeong 2006, Ko 2013, Cali 2016, Pemov 2017, Cannon 2018, Tsipi 2018); Not observed in large population cohorts (Lek 2016); This variant is associated with the following publications: (PMID: 25525159, 10712197, 30192422, 15146469, 32486389, 32408052, 9150739, 23668869, 9475595, 27838393, 16479075, 27498913, 25403449, 30014477, 19142971, 26969325, 18484666, 16773574, 29146900, 31730495, 29415745, 28068329, 30308447, 31766501, 31776437)

Genome Diagnostics Laboratory, The Hospital for Sick Children
Classification: Pathogenic for Neurofibromatosis, type 1. Last evaluated: 2020-10-26. Review status: criteria provided, single submitter. Criteria: ACMG Guidelines, 2015. Collection method: clinical testing. Allele origin: germline. Affected: yes.

Medical Genetics, University of Parma
Classification: Pathogenic for Neurofibromatosis, type 1. Last evaluated: 2019-12-20. Review status: criteria provided, single submitter. Criteria: ACMG Guidelines, 2015. Collection method: clinical testing. Allele origin: germline. Affected: yes.

CeGaT Center for Human Genetics Tuebingen
Classification: Pathogenic. Last evaluated: 2019-03-01. Review status: criteria provided, single submitter. Criteria: CeGaT Center For Human Genetics Tuebingen Variant Classification Criteria Version 2. Collection method: clinical testing. Allele origin: germline. Affected: yes. Observed: 2 variant alleles.

Fulgent Genetics
Classification: Pathogenic for Neurofibromatosis, type 1; Neurofibromatosis, familial spinal; Café-au-lait macules with pulmonary stenosis; Neurofibromatosis-Noonan syndrome; Juvenile myelomonocytic leukemia. Last evaluated: 2018-10-31. Review status: criteria provided, single submitter. Criteria: ACMG Guidelines, 2015. Collection method: clinical testing. Allele origin: unknown.

Centre for Mendelian Genomics, University Medical Centre Ljubljana
Classification: Pathogenic for Axillary freckling; Delayed fine motor development; Inguinal freckling; Large cafe-au-lait macules with irregular margins; Lisch nodules; Cafe au lait spots, multiple. Last evaluated: 2017-01-01. Review status: criteria provided, single submitter. Criteria: ACMG Guidelines, 2015. Collection method: clinical testing. Allele origin: unknown. Affected: yes.

Center for Human Genetics, Inc
Classification: Pathogenic for Neurofibromatosis, type 1. Last evaluated: 2016-11-01. Review status: criteria provided, single submitter. Criteria: ACMG Guidelines, 2015. Collection method: clinical testing. Allele origin: germline. Affected: yes.

Juno Genomics, Hangzhou Juno Genomics, Inc
Classification: Pathogenic for Café-au-lait macules with pulmonary stenosis; Neurofibromatosis, type 1; Juvenile myelomonocytic leukemia; Neurofibromatosis, familial spinal; Neurofibromatosis-Noonan syndrome. Review status: criteria provided, single submitter. Criteria: ACMG Guidelines, 2015. Collection method: clinical testing. Allele origin: germline. Affected: yes.
Comment: Absent from controls (or at extremely low frequency if recessive) in Genome Aggregation Database.;Null variant in a gene where loss of function (LOF) is a known mechanism of disease.;The prevalence of the variant in affected individuals is significantly increased compared to the prevalence in controls.;Co-segregation with disease in multiple affected family members.;Patient's phenotype or family history is highly specific for a disease with a single genetic etiology.

Biochemical Molecular Genetic Laboratory, King Abdulaziz Medical City
Classification: Pathogenic for Neurofibromatosis, type 1. Last evaluated: 2020-02-05. Review status: no assertion criteria provided. Collection method: clinical testing. Allele origin: germline. Affected: yes. Not counted in ClinVar's aggregate classification.

Clinical Genetics DNA and cytogenetics Diagnostics Lab, Erasmus MC, Erasmus Medical Center
Classification: Pathogenic. Review status: no assertion criteria provided. Collection method: clinical testing. Allele origin: germline. Affected: yes. Study: VKGL Data-share Consensus. Not counted in ClinVar's aggregate classification.

Diagnostic Laboratory, Department of Genetics, University Medical Center Groningen
Classification: Pathogenic. Review status: no assertion criteria provided. Collection method: clinical testing. Allele origin: germline. Affected: yes. Study: VKGL Data-share Consensus. Not counted in ClinVar's aggregate classification.

Literature cited by the submitters: PubMed 10712197 (cited by 3 submitters); PubMed 23913538 (cited by 3 submitters); PubMed 9150739 (cited by 5 submitters); PubMed 9475595 (cited by 4 submitters); PubMed 15146469 (cited by 3 submitters); PubMed 18484666 (cited by 3 submitters); PubMed 19142971 (cited by 4 submitters); PubMed 23668869 (cited by 4 submitters); PubMed 25403449 (cited by Labcorp Genetics (formerly Invitae), Labcorp); PubMed 34046057 (cited by Center for Genomic Medicine, Rigshospitalet, Copenhagen University Hospital); PubMed 16479075 (cited by Dasa); PubMed 34080803 (cited by 4 submitters); PubMed 27617404 (cited by Dasa); PubMed 10678181 (cited by Women's Health and Genetics/Laboratory Corporation of America, LabCorp); PubMed 23460398 (cited by Women's Health and Genetics/Laboratory Corporation of America, LabCorp); PubMed 29872168 (cited by Women's Health and Genetics/Laboratory Corporation of America, LabCorp); PubMed 27069254 (cited by Women's Health and Genetics/Laboratory Corporation of America, LabCorp); PubMed 22108604 (cited by Mayo Clinic Laboratories, Mayo Clinic); PubMed 23758643 (cited by Mayo Clinic Laboratories, Mayo Clinic); PubMed 27838393 (cited by Mayo Clinic Laboratories, Mayo Clinic); PubMed 30014477 (cited by Mayo Clinic Laboratories, Mayo Clinic); PubMed 30308447 (cited by Mayo Clinic Laboratories, Mayo Clinic); PubMed 34427956 (cited by Mayo Clinic Laboratories, Mayo Clinic); PubMed 35885913 (cited by Mayo Clinic Laboratories, Mayo Clinic); PubMed 31776437 (cited by Ambry Genetics).